The following is an entry in ClinVar:

NM_020791.4(TAOK1):c.493G>A (p.Val165Met)

Gene: TAOK1 (TAO kinase 1; plus strand). Cytogenetic location: 17q11.2.
Variant type: single nucleotide variant.
Coding change: c.493G>A on transcript NM_020791.4 (MANE Select); coding-DNA position 493, G replaced by A.
Protein change: p.Val165Met; replaces valine 165 with methionine.
Molecular consequence: missense variant.
Genome position (GRCh38, 1-based): chr17:29,480,411, G>A. VCF-style: chr17-29480411-G-A. GRCh37 (hg19) VCF-style: chr17-27807429-G-A.
Other names: c.493G>A, p.Val165Met (NM_025142.1); short protein forms V165M.
Identifiers: ClinVar variation 1695805 (VCV001695805.2), dbSNP rs2153026774, ClinGen allele CA399189952.

ClinVar aggregate classification (germline): Uncertain significance (1 of 4 stars; one submission).

Submission:

GeneDx
Classification: Uncertain significance. Last evaluated: 2022-01-10. Review status: criteria provided, single submitter. Criteria: GeneDx Variant Classification Process June 2021. Collection method: clinical testing. Allele origin: germline. Affected: yes.
Comment: Not observed at significant frequency in large population cohorts (gnomAD); In silico analysis supports that this missense variant has a deleterious effect on protein structure/function; Has not been previously published as pathogenic or benign to our knowledge